The following is an entry in ClinVar:

NM_001615.4(ACTG2):c.629T>C (p.Val210Ala)

Gene: ACTG2 (actin gamma 2, smooth muscle; plus strand). Cytogenetic location: 2p13.1.
Variant type: single nucleotide variant.
Coding change: c.629T>C on transcript NM_001615.4 (MANE Select); coding-DNA position 629, T replaced by C.
Protein change: p.Val210Ala; replaces valine 210 with alanine.
Molecular consequence: missense variant.
Genome position (GRCh38, 1-based): chr2:73,914,695, T>C. VCF-style: chr2-73914695-T-C. GRCh37 (hg19) VCF-style: chr2-74141822-T-C.
Other names: c.500T>C, p.Val167Ala (NM_001199893.2); short protein forms V167A, V210A.
Identifiers: ClinVar variation 1307890 (VCV001307890.2), dbSNP rs2104822473, ClinGen allele CA347304132.

ClinVar aggregate classification (germline): Uncertain significance (1 of 4 stars; one submission).

Allele frequency attached by ClinVar (database versions not stated): gnomAD exomes 0.00001.
gnomAD v4.1: 16 of 1,591,818 alleles (0.001%); highest among the groups gnomAD compares: Non-Finnish European, 0.0014%; no homozygotes.

Submission:

GeneDx
Classification: Uncertain significance. Last evaluated: 2019-03-23. Review status: criteria provided, single submitter. Criteria: GeneDx Variant Classification Process June 2021. Collection method: clinical testing. Allele origin: germline. Affected: yes.
Comment: Not observed in large population cohorts (Lek et al., 2016); In silico analysis, which includes protein predictors and evolutionary conservation, supports a deleterious effect; Has not been previously published as pathogenic or benign to our knowledge